The following is an entry in ClinVar:

NM_130837.3(OPA1):c.861C>G (p.Ile287Met)

Gene: OPA1 (OPA1 mitochondrial dynamin like GTPase; plus strand). Cytogenetic location: 3q29.
Variant type: single nucleotide variant.
Coding change: c.861C>G on transcript NM_130837.3 (MANE Select); coding-DNA position 861, C replaced by G.
Protein change: p.Ile287Met; replaces isoleucine 287 with methionine.
Molecular consequence: missense variant.
Genome position (GRCh38, 1-based): chr3:193,635,435, C>G. VCF-style: chr3-193635435-C-G. GRCh37 (hg19) VCF-style: chr3-193353224-C-G.
Other names: c.327C>G, p.Ile109Met (NM_001354663.2); c.324C>G, p.Ile108Met (NM_001354664.2); c.696C>G, p.Ile232Met (NM_015560.3); c.588C>G, p.Ile196Met (NM_130831.3); c.642C>G, p.Ile214Met (NM_130832.3); c.699C>G, p.Ile233Met (NM_130833.3); c.750C>G, p.Ile250Met (NM_130834.3); c.753C>G, p.Ile251Met (NM_130835.3); and 1 more; short protein forms I108M, I109M, I196M, I214M, I232M, I233M, I250M, I251M.
Identifiers: ClinVar variation 997638 (VCV000997638.2), dbSNP rs1732782708, ClinGen allele CA355787272.

ClinVar aggregate classification (germline): Uncertain significance (1 of 4 stars; one submission).

Conditions:
Abortive cerebellar ataxia (BEHRS). Also called: Behr syndrome; OPTIC ATROPHY, INFANTILE HEREDITARY, WITH NEUROLOGIC ABNORMALITIES. Identifiers: Orphanet 1239, MedGen C0221061, MONDO:0008858, OMIM 210000.

Allele frequency attached by ClinVar (database versions not stated): gnomAD exomes below 0.00001; gnomAD 0.00001; TOPMed 0.00001.
gnomAD v4.1: 2 of 1,600,006 alleles (0.00012%); highest among the groups gnomAD compares: African/African-American, 0.0027%; no homozygotes.

Submission:

Baylor Genetics
Classification: Uncertain significance for Abortive cerebellar ataxia. Last evaluated: 2019-10-08. Review status: criteria provided, single submitter. Criteria: ACMG Guidelines, 2015. Collection method: clinical testing. Allele origin: maternal. Affected: yes. Study: CSER-TexasKidsCanSeq.
Comment: This variant was determined to be of uncertain significance according to ACMG Guidelines, 2015 [PMID:25741868].